The following is an entry in ClinVar:

NM_001276379.2(LZTFL1):c.89G>T (p.Ser30Ile)

Gene: LZTFL1 (leucine zipper transcription factor like 1; minus strand). Cytogenetic location: 3p21.31.
Variant type: single nucleotide variant.
Coding change: c.89G>T on transcript NM_001276379.2; coding-DNA position 89, G replaced by T.
Protein change: p.Ser30Ile; replaces serine 30 with isoleucine.
Molecular consequence: missense variant. On other transcripts: 5 prime UTR variant (4), non-coding transcript variant (1), intron variant (2).
Genome position (GRCh38, 1-based): chr3:45,855,013, C>A on the plus strand (G>T on the coding strand, the complement: LZTFL1 is on the minus strand). VCF-style: chr3-45855013-C-A. GRCh37 (hg19) VCF-style: chr3-45896505-C-A.
Other names: c.-76G>T (NM_001276378.2, NM_001405923.1, NM_001405926.1 and 1 more transcripts); c.89G>T, p.Ser30Ile (NM_001405921.1); c.28-16962G>T (NM_001405925.1, NM_001405920.1); short protein forms S30I.
Identifiers: ClinVar variation 4982813 (VCV004982813.1).
Genomic context (GRCh38, chr3:45,855,013, plus strand): 5'-ATTATAATATGTCAGATGCGCTTGTCAACTTACAGAGCTTTCTCCTGGAACTTAGCCCAG[C>A]TTCTTGGAAAAGTCACCAAAGGGTGGGTAGGGTACAACTTGATGGATTTTCTCTGCCTTC-3'

ClinVar aggregate classification (germline): Uncertain significance (1 of 4 stars; one submission).

Conditions:
LZTFL1-related disorder. Also called: LZTFL1-related condition.

Submission:

PreventionGenetics, part of Exact Sciences
Classification: Uncertain significance for LZTFL1-related condition. Last evaluated: 2025-06-19. Review status: criteria provided, single submitter. Criteria: ACMG Guidelines, 2015. Collection method: clinical testing. Allele origin: germline.
Comment: The LZTFL1 c.89G>T variant is predicted to result in the amino acid substitution p.Ser30Ile. To our knowledge, this variant has not been reported in the literature or in a large population database (gnomAD), indicating this variant is rare. At this time, the clinical significance of this variant is uncertain due to the absence of conclusive functional and genetic evidence.